The following is an entry in ClinVar:

NM_001042545.2(LTBP4):c.3845G>T (p.Gly1282Val)

Gene: LTBP4 (latent transforming growth factor beta binding protein 4; plus strand). Cytogenetic location: 19q13.2.
Variant type: single nucleotide variant.
Coding change: c.3845G>T on transcript NM_001042545.2 (MANE Select); coding-DNA position 3845, G replaced by T.
Protein change: p.Gly1282Val; replaces glycine 1282 with valine.
Molecular consequence: missense variant.
Genome position (GRCh38, 1-based): chr19:40,625,869, G>T. VCF-style: chr19-40625869-G-T. GRCh37 (hg19) VCF-style: chr19-41131774-G-T.
Other names: c.4046G>T, p.Gly1349Val (NM_001042544.1); c.3935G>T, p.Gly1312Val (NM_003573.2); short protein forms G1282V, G1312V, G1349V.
Identifiers: ClinVar variation 1438985 (VCV001438985.6), dbSNP rs566240570, ClinGen allele CA9449159.

ClinVar aggregate classification (germline): Uncertain significance. Review status: criteria provided, multiple submitters, no conflicts (2 of 4 stars). 3 submissions from 3 submitters: Uncertain significance (3). Last evaluated 2023-07-31.

Allele frequency attached by ClinVar (database versions not stated): 1000 Genomes Project 0.00020; 1000 Genomes Project 30x 0.00031.
gnomAD v4.1: 64 of 1,589,350 alleles (0.004%); highest among the groups gnomAD compares: Admixed American, 0.11%; no homozygotes.

Submissions (3):

GeneDx
Classification: Uncertain significance. Last evaluated: 2023-07-31. Review status: criteria provided, single submitter. Criteria: GeneDx Variant Classification Process June 2021. Collection method: clinical testing. Allele origin: germline.
Comment: In silico analysis supports that this missense variant has a deleterious effect on protein structure/function; Has not been previously published as pathogenic or benign to our knowledge

Labcorp Genetics (formerly Invitae), Labcorp
Classification: Uncertain significance. Last evaluated: 2023-07-17. Review status: criteria provided, single submitter. Criteria: Invitae Variant Classification Sherloc (09022015). Collection method: clinical testing. Allele origin: germline.
Comment: This variant is present in population databases (rs566240570, gnomAD 0.2%). This sequence change replaces glycine with valine at codon 1312 of the LTBP4 protein (p.Gly1312Val). The glycine residue is highly conserved and there is a moderate physicochemical difference between glycine and valine. This variant has not been reported in the literature in individuals affected with LTBP4-related conditions. ClinVar contains an entry for this variant (Variation ID: 1438985). Experimental studies and prediction algorithms are not available or were not evaluated, and the functional significance of this variant is currently unknown. In summary, the available evidence is currently insufficient to determine the role of this variant in disease. Therefore, it has been classified as a Variant of Uncertain Significance.

Breakthrough Genomics
Classification: Uncertain significance. Review status: criteria provided, single submitter. Criteria: ACMG Guidelines, 2015. Collection method: not provided. Allele origin: germline. Inheritance: Autosomal dominant inheritance. Affected: yes.